The following is an entry in ClinVar:

ClinVar aggregate classification (germline): Uncertain significance (1 of 4 stars; one submission).

Conditions:
Dilated cardiomyopathy 1O (CMD1O). Also called: CARDIOMYOPATHY, DILATED, WITH VENTRICULAR TACHYCARDIA. Identifiers: Orphanet 154, MedGen C1837839, MONDO:0012062, OMIM 608569.

Allele frequency attached by ClinVar (database versions not stated): ExAC 0.00001; gnomAD 0.00001; gnomAD exomes 0.00001; TOPMed 0.00001.
gnomAD v4.1: 8 of 1,603,656 alleles (0.0005%); highest among the groups gnomAD compares: African/African-American, 0.0013%; no homozygotes.

Submissions (2):

Labcorp Genetics (formerly Invitae), Labcorp
Classification: Uncertain significance for Dilated cardiomyopathy 1O. Last evaluated: 2025-12-01. Review status: criteria provided, single submitter. Criteria: Invitae Variant Classification Sherloc (09022015). Collection method: clinical testing. Allele origin: germline.
Comment: This sequence change affects codon 1257 of the ABCC9 mRNA. It is a 'silent' change, meaning that it does not change the encoded amino acid sequence of the ABCC9 protein. This variant also falls at the last nucleotide of exon 30, which is part of the consensus splice site for this exon. This variant is present in population databases (rs759055406, gnomAD 0.0009%). This variant has not been reported in the literature in individuals affected with ABCC9-related conditions. ClinVar contains an entry for this variant (Variation ID: 2882058). Variants that disrupt the consensus splice site are a relatively common cause of aberrant splicing (PMID: 17576681, 9536098). Algorithms developed to predict the effect of sequence changes on RNA splicing suggest that this variant may disrupt the consensus splice site. In summary, the available evidence is currently insufficient to determine the role of this variant in disease. Therefore, it has been classified as a Variant of Uncertain Significance.

Dr. Peter K. Rogan Lab, Western University
No classification provided (evidence only). Condition: Gastric cancer. Review status: no classification provided. Collection method: in vitro. Allele origin: not applicable. Functional consequence: retained intron. Not counted in ClinVar's aggregate classification.

Literature cited by the submitters: PubMed 17576681 (cited by Labcorp Genetics (formerly Invitae), Labcorp); PubMed 9536098 (cited by Labcorp Genetics (formerly Invitae), Labcorp).

NM_020297.4(ABCC9):c.3771G>A (p.Thr1257=)

Genes: ABCC9 (ATP binding cassette subfamily C member 9; minus strand), KCNJ8-AS1 (KCNJ8 antisense RNA 1; plus strand). Cytogenetic location: 12p12.1.
Variant type: single nucleotide variant.
Coding change: c.3771G>A on transcript NM_020297.4 (MANE Select); coding-DNA position 3771, G replaced by A.
Protein change: p.Thr1257=; no amino-acid change (threonine 1257 retained).
Molecular consequence: synonymous variant.
Genome position (GRCh38, 1-based): chr12:21,818,150, C>T on the plus strand (G>A on the coding strand, the complement: ABCC9 is on the minus strand). VCF-style: chr12-21818150-C-T. GRCh37 (hg19) VCF-style: chr12-21971084-C-T.
Other names: c.3771G>A, p.Thr1257= (NM_001377273.1, NM_005691.4); c.2904G>A, p.Thr968= (NM_001377274.1).
Identifiers: ClinVar variation 2882058 (VCV002882058.4), dbSNP rs759055406, ClinGen allele CA6481037.
Genomic context (GRCh38, chr12:21,818,150, plus strand): 5'-ATGAGTGAGAACATGCGGTGTTTGGTTATCTGTTCCTGTAATATTTTTATCCATACCTAC[C>T]GTAAGTGCATACAGAAGACCCAAGCCTACCAATCCAGAATTCGAAGACCCACTAATGGAT-3'
Protein context (NP_064693.2, residues 1247-1267): LVGLGLLYAL[Thr1257=]ITNYLNWVVR